The following is an entry in ClinVar:

NM_016097.5(IER3IP1):c.32C>T (p.Ala11Val)

Gene: IER3IP1 (immediate early response 3 interacting protein 1; minus strand). Cytogenetic location: 18q21.1.
Variant type: single nucleotide variant.
Coding change: c.32C>T on transcript NM_016097.5 (MANE Select); coding-DNA position 32, C replaced by T.
Protein change: p.Ala11Val; replaces alanine 11 with valine.
Molecular consequence: missense variant.
Genome position (GRCh38, 1-based): chr18:47,176,246, G>A on the plus strand (C>T on the coding strand, the complement: IER3IP1 is on the minus strand). VCF-style: chr18-47176246-G-A. GRCh37 (hg19) VCF-style: chr18-44702617-G-A.
Other names: short protein forms A11V.
Identifiers: ClinVar variation 966641 (VCV000966641.10), dbSNP rs777482527, ClinGen allele CA8955746.
Genomic context (GRCh38, chr18:47,176,246, plus strand): 5'-CTGTTCTTGAGGAATCGCTCCTCGTGCAGCACTGCGATGGCGTTGACGCAGAGCAGGGCT[G>A]CCTGCAGCAGTGAGTACAGGGTAAAGGCCATGGCCGTCCGAGGCCGCCCCGAAGTCCAAG-3'
Protein context (NP_057181.1, residues 1-21): MAFTLYSLLQ[Ala11Val]ALLCVNAIAV

ClinVar aggregate classification (germline): Uncertain significance (1 of 4 stars; one submission).

Conditions:
Microcephaly, epilepsy, and diabetes syndrome. Identifiers: Orphanet 306558, MedGen C3280240, MONDO:0100328.

Allele frequency attached by ClinVar (database versions not stated): gnomAD exomes 0.00002; ExAC 0.00006.

Submission:

Labcorp Genetics (formerly Invitae), Labcorp
Classification: Uncertain significance for Microcephaly, epilepsy, and diabetes syndrome. Last evaluated: 2020-01-23. Review status: criteria provided, single submitter. Criteria: Invitae Variant Classification Sherloc (09022015). Collection method: clinical testing. Allele origin: germline.
Comment: In summary, the available evidence is currently insufficient to determine the role of this variant in disease. Therefore, it has been classified as a Variant of Uncertain Significance. Algorithms developed to predict the effect of sequence changes on RNA splicing suggest that this variant may create or strengthen a splice site, but this prediction has not been confirmed by published transcriptional studies. Algorithms developed to predict the effect of missense changes on protein structure and function are either unavailable or do not agree on the potential impact of this missense change (SIFT: "Tolerated"; PolyPhen-2: "Possibly Damaging"; Align-GVGD: "Class C0"). This variant has not been reported in the literature in individuals with IER3IP1-related conditions. This variant is present in population databases (rs777482527, ExAC 0.01%). This sequence change replaces alanine with valine at codon 11 of the IER3IP1 protein (p.Ala11Val). The alanine residue is moderately conserved and there is a small physicochemical difference between alanine and valine.